The following is an entry in ClinVar:

NM_018979.4(WNK1):c.4169C>A (p.Thr1390Lys)

Gene: WNK1 (WNK lysine deficient protein kinase 1; plus strand). Cytogenetic location: 12p13.33.
Variant type: single nucleotide variant.
Coding change: c.4169C>A on transcript NM_018979.4 (MANE Select); coding-DNA position 4169, C replaced by A.
Protein change: p.Thr1390Lys; replaces threonine 1390 with lysine.
Molecular consequence: missense variant.
Genome position (GRCh38, 1-based): chr12:884,973, C>A. VCF-style: chr12-884973-C-A. GRCh37 (hg19) VCF-style: chr12-994139-C-A.
Other names: c.4949C>A, p.Thr1650Lys (NM_001184985.2); c.3428C>A, p.Thr1143Lys (NM_014823.3); c.4925C>A, p.Thr1642Lys (NM_213655.5); short protein forms T1650K, T1143K, T1390K, T1642K.
Identifiers: ClinVar variation 938768 (VCV000938768.9), dbSNP rs146024504, ClinGen allele CA6382929.

ClinVar aggregate classification (germline): Uncertain significance (1 of 4 stars; one submission).

Conditions:
Neuropathy, hereditary sensory and autonomic, type 2A (HSAN2A). Also called: MORVAN DISEASE; NEUROPATHY, CONGENITAL SENSORY; NEUROPATHY, HEREDITARY SENSORY RADICULAR, AUTOSOMAL RECESSIVE; NEUROPATHY, HEREDITARY SENSORY, TYPE IIA; NEUROPATHY, PROGRESSIVE SENSORY, OF CHILDREN; WNK1-Related HSAN2 (HSAN2A). Identifiers: Orphanet 970, MedGen C2752089, MONDO:0024309, OMIM 201300.
Pseudohypoaldosteronism type 2C (PHA2C). Also called: Pseudohypoaldosteronism Type IIC. Identifiers: Orphanet 757, Orphanet 88940, MedGen C1840391, MONDO:0013778, OMIM 614492.

Allele frequency attached by ClinVar (database versions not stated): gnomAD exomes below 0.00001; ExAC 0.00001; TOPMed 0.00002; gnomAD 0.00003; ESP Exome Variant Server 0.00008.
gnomAD v4.1: 4 of 1,614,058 alleles (0.00025%); highest among the groups gnomAD compares: African/African-American, 0.0053%; no homozygotes.

Submission:

Labcorp Genetics (formerly Invitae), Labcorp
Classification: Uncertain significance for Neuropathy, hereditary sensory and autonomic, type 2A; Pseudohypoaldosteronism type 2C. Last evaluated: 2025-12-17. Review status: criteria provided, single submitter. Criteria: Invitae Variant Classification Sherloc (09022015). Collection method: clinical testing. Allele origin: germline.
Comment: This sequence change replaces threonine, which is neutral and polar, with lysine, which is basic and polar, at codon 1642 of the WNK1 protein (p.Thr1642Lys). This variant is present in population databases (rs146024504, gnomAD 0.007%). This variant has not been reported in the literature in individuals affected with WNK1-related conditions. ClinVar contains an entry for this variant (Variation ID: 938768). Invitae Evidence Modeling of protein sequence and biophysical properties (such as structural, functional, and spatial information, amino acid conservation, physicochemical variation, residue mobility, and thermodynamic stability) indicates that this missense variant is not expected to disrupt WNK1 protein function with a negative predictive value of 95%. In summary, the available evidence is currently insufficient to determine the role of this variant in disease. Therefore, it has been classified as a Variant of Uncertain Significance.